The following is an entry in ClinVar:

NM_177438.3(DICER1):c.1837C>G (p.Pro613Ala)

Gene: DICER1 (dicer 1, ribonuclease III; minus strand). Cytogenetic location: 14q32.13.
Variant type: single nucleotide variant.
Coding change: c.1837C>G on transcript NM_177438.3 (MANE Select); coding-DNA position 1837, C replaced by G.
Protein change: p.Pro613Ala; replaces proline 613 with alanine.
Molecular consequence: missense variant.
Genome position (GRCh38, 1-based): chr14:95,115,737, G>C on the plus strand (C>G on the coding strand, the complement: DICER1 is on the minus strand). VCF-style: chr14-95115737-G-C. GRCh37 (hg19) VCF-style: chr14-95582074-G-C.
Other names: c.1837C>G, p.Pro613Ala (NM_001195573.1, NM_001271282.3, NM_001291628.2 and 1 more transcripts); short protein forms P613A.
Identifiers: ClinVar variation 656040 (VCV000656040.13), dbSNP rs201553563, ClinGen allele CA390884022.

ClinVar aggregate classification (germline): Uncertain significance. Review status: criteria provided, multiple submitters, no conflicts (2 of 4 stars). 2 submissions from 2 submitters: Uncertain significance (2). Last evaluated 2024-07-17.

Conditions:
DICER1-related tumor predisposition. Also called: DICER1 syndrome; DICER1-related pleuropulmonary blastoma cancer predisposition syndrome. Identifiers: Orphanet 284343, MedGen C3839822, MONDO:0100216.
Hereditary cancer-predisposing syndrome. Also called: Neoplastic Syndromes, Hereditary; Hereditary neoplastic syndrome; Hereditary Cancer Syndrome; Tumor predisposition. Identifiers: Orphanet 140162, MedGen C0027672, MeSH D009386, MONDO:0015356.

Allele frequency attached by ClinVar (database versions not stated): gnomAD 0.00001.
gnomAD v4.1: 1 of 1,613,996 alleles (0.000062%); highest among the groups gnomAD compares: Non-Finnish European, 0.000085%; no homozygotes.

Submissions (2):

Ambry Genetics
Classification: Uncertain significance for Hereditary cancer-predisposing syndrome. Last evaluated: 2024-07-17. Review status: criteria provided, single submitter. Criteria: Ambry Variant Classification Scheme 2023. Collection method: clinical testing. Allele origin: germline.
Comment: The p.P613A variant (also known as c.1837C>G), located in coding exon 10 of the DICER1 gene, results from a C to G substitution at nucleotide position 1837. The proline at codon 613 is replaced by alanine, an amino acid with highly similar properties. This amino acid position is conserved. In addition, this alteration is predicted to be tolerated by in silico analysis. Based on the available evidence, the clinical significance of this variant remains unclear.

Labcorp Genetics (formerly Invitae), Labcorp
Classification: Uncertain significance for DICER1-related tumor predisposition. Last evaluated: 2024-02-12. Review status: criteria provided, single submitter. Criteria: Invitae Variant Classification Sherloc (09022015). Collection method: clinical testing. Allele origin: germline.
Comment: This sequence change replaces proline, which is neutral and non-polar, with alanine, which is neutral and non-polar, at codon 613 of the DICER1 protein (p.Pro613Ala). This variant is not present in population databases (gnomAD no frequency). This variant has not been reported in the literature in individuals affected with DICER1-related conditions. ClinVar contains an entry for this variant (Variation ID: 656040). Advanced modeling of protein sequence and biophysical properties (such as structural, functional, and spatial information, amino acid conservation, physicochemical variation, residue mobility, and thermodynamic stability) performed at Invitae indicates that this missense variant is not expected to disrupt DICER1 protein function with a negative predictive value of 80%. In summary, the available evidence is currently insufficient to determine the role of this variant in disease. Therefore, it has been classified as a Variant of Uncertain Significance.